The following is an entry in ClinVar:

NM_002427.4(MMP13):c.272T>C (p.Met91Thr)

Genes: MMP13 (matrix metallopeptidase 13; minus strand), LOC126861318 (BRD4-independent group 4 enhancer GRCh37_chr11:102825894-102827093; plus strand). Cytogenetic location: 11q22.2.
Variant type: single nucleotide variant.
Coding change: c.272T>C on transcript NM_002427.4 (MANE Select); coding-DNA position 272, T replaced by C.
Protein change: p.Met91Thr; replaces methionine 91 with threonine.
Molecular consequence: missense variant.
Genome position (GRCh38, 1-based): chr11:102,955,342, A>G on the plus strand (T>C on the coding strand, the complement: MMP13 is on the minus strand). VCF-style: chr11-102955342-A-G. GRCh37 (hg19) VCF-style: chr11-102826071-A-G.
Other names: M72T; c.272T>C (NM_002427.3); short protein forms M91T.
Identifiers: ClinVar variation 9445 (VCV000009445.13), dbSNP rs121909499, ClinGen allele CA120435.

ClinVar aggregate classification (germline): Conflicting classifications of pathogenicity. Review status: criteria provided, conflicting classifications (1 of 4 stars). 6 submissions from 6 submitters: Pathogenic (4); Uncertain significance (1). 1 of the submissions does not count toward it. Last evaluated 2026-04-03.

Conditions:
MMP13-related disorder. Also called: MMP13-related condition; MMP13-related disorders.
Metaphyseal chondrodysplasia, Spahr type (MDST). Identifiers: Orphanet 2501, MedGen C0432225, MONDO:0009597, OMIM 250400.
Spondyloepimetaphyseal dysplasia, Missouri type. Identifiers: Orphanet 1040, Orphanet 93356, MedGen C1865832, MONDO:0011198, OMIM 602111.
Metaphyseal anadysplasia 1, autosomal dominant (MANDP1). Also called: Metaphyseal anadysplasia 1. Identifiers: MedGen C4016643.

Submissions (6):

GeneDx
Classification: Uncertain significance. Last evaluated: 2026-04-03. Review status: criteria provided, single submitter. Criteria: GeneDx Variant Classification Process June 2021. Collection method: clinical testing. Allele origin: germline.
Comment: Not observed at significant frequency in large population cohorts (gnomAD); In silico analysis supports that this missense variant has a deleterious effect on protein structure/function; Published functional studies suggest this variant results in impairment of loss of detectable protein and enzymatic activity, however additional studies are needed to validate the functional effect of this variant in vivo (PMID: 19615667); Also known as c.300T>C, p.(M72T); This variant is associated with the following publications: (PMID: 38702915, 30439533, 34022834, 38973228, 19615667)

Labcorp Genetics (formerly Invitae), Labcorp
Classification: Pathogenic. Last evaluated: 2025-06-22. Review status: criteria provided, single submitter. Criteria: Invitae Variant Classification Sherloc (09022015). Collection method: clinical testing. Allele origin: germline.
Comment: This sequence change replaces methionine, which is neutral and non-polar, with threonine, which is neutral and polar, at codon 91 of the MMP13 protein (p.Met91Thr). This variant is not present in population databases (gnomAD no frequency). This missense change has been observed in individuals with autosomal dominant metaphyseal anadysplasia (PMID: 19615667). It has also been observed to segregate with disease in related individuals. This variant is also known as c.300T>C, p.M72T. ClinVar contains an entry for this variant (Variation ID: 9445). Invitae Evidence Modeling of protein sequence and biophysical properties (such as structural, functional, and spatial information, amino acid conservation, physicochemical variation, residue mobility, and thermodynamic stability) has been performed for this missense variant. However, the output from this modeling did not meet the statistical confidence thresholds required to predict the impact of this variant on MMP13 protein function. Experimental studies have shown that this missense change affects MMP13 function (PMID: 19615667). For these reasons, this variant has been classified as Pathogenic.

Blueprint Genetics
Classification: Pathogenic for MMP13-related disorders. Last evaluated: 2023-03-31. Review status: criteria provided, single submitter. Criteria: ACMG Guidelines, 2015. Collection method: clinical testing. Allele origin: germline. Affected: yes. Observed: 4 variant alleles.

Juno Genomics, Hangzhou Juno Genomics, Inc
Classification: Pathogenic for Metaphyseal chondrodysplasia, Spahr type; Spondyloepimetaphyseal dysplasia, Missouri type. Review status: criteria provided, single submitter. Criteria: ACMG Guidelines, 2015. Collection method: clinical testing. Allele origin: germline. Affected: yes.
Comment: Absent from controls (or at extremely low frequency if recessive) in Genome Aggregation Database, Exome Sequencing Project, 1000 Genomes Project, or Exome Aggregation Consortium.;The prevalence of the variant in affected individuals is significantly increased compared to the prevalence in controls.;Co-segregation with disease in multiple affected family members in a gene definitively known to cause the disease.;Well-established in vitro or in vivo functional studies supportive of a damaging effect on the gene or gene product.;Multiple lines of computational evidence support a deleterious effect on the gene or gene product (conservation, evolutionary, splicing impact, etc).

Kasturba Medical College, Manipal, Kasturba Medical College, Manipal, Manipal Academy of Higher Education, Manipal, India
Classification: Pathogenic for Spondyloepimetaphyseal dysplasia, Missouri type. Review status: criteria provided, single submitter. Criteria: ACMG Guidelines, 2015. Collection method: clinical testing. Allele origin: de novo. Inheritance: Autosomal dominant inheritance. Affected: yes. Observed: 1 heterozygote.
Comment: In-silico analysis (Mutation taster, REVEL, CADD_phred) are consistent in predicting that the variant c.272T>C is affecting the MMP13 protein function.

OMIM
Classification: Pathogenic for METAPHYSEAL ANADYSPLASIA 1, AUTOSOMAL DOMINANT. Last evaluated: 2009-08-01. Review status: no assertion criteria provided. Collection method: literature only. Allele origin: germline. Not counted in ClinVar's aggregate classification.

Literature cited by the submitters: PubMed 19615667 (cited by Labcorp Genetics (formerly Invitae), Labcorp and OMIM); PubMed 30439533 (cited by OMIM).